The following is an entry in ClinVar:

NM_001267550.2(TTN):c.2210A>G (p.Tyr737Cys)

Gene: TTN (titin; minus strand). Cytogenetic location: 2q31.2.
Variant type: single nucleotide variant.
Coding change: c.2210A>G on transcript NM_001267550.2 (MANE Select); coding-DNA position 2210, A replaced by G.
Protein change: p.Tyr737Cys; replaces tyrosine 737 with cysteine.
Molecular consequence: missense variant.
Genome position (GRCh38, 1-based): chr2:178,786,008, T>C on the plus strand (A>G on the coding strand, the complement: TTN is on the minus strand). VCF-style: chr2-178786008-T-C. GRCh37 (hg19) VCF-style: chr2-179650735-T-C.
Other names: c.2210A>G, p.Tyr737Cys (NM_001256850.1, NM_133378.4, NM_133379.5); c.2072A>G, p.Tyr691Cys (NM_003319.4, NM_133432.3, NM_133437.4); short protein forms Y691C, Y737C.
Identifiers: ClinVar variation 3390471 (VCV003390471.1).
Genomic context (GRCh38, chr2:178,786,008, plus strand): 5'-GGTTCTGAGGCTGGACGTTGGGGAGGCTCAGCTACCTTTGCGGCGGAAATGCGTTCCTTA[T>C]ATCCGTACTCCAAAGTGGTCTGCTGAGCATAGGATTCTTCAAGATGCCCAGGCTCTCTGG-3'
Protein context (NP_001254479.2, residues 727-747): YAQQTTLEYG[Tyr737Cys]KERISAAKVA

ClinVar aggregate classification (germline): Uncertain significance (1 of 4 stars; one submission).

gnomAD v4.1: 16 of 1,614,126 alleles (0.00099%); highest among the groups gnomAD compares: Non-Finnish European, 0.0013%; no homozygotes.

Submission:

GeneDx
Classification: Uncertain significance. Last evaluated: 2024-06-13. Review status: criteria provided, single submitter. Criteria: GeneDx Variant Classification Process June 2021. Collection method: clinical testing. Allele origin: germline. Affected: yes.
Comment: Not observed at significant frequency in large population cohorts (gnomAD); Missense variant in a gene in which most reported pathogenic variants are truncating/loss of function; Has not been previously published as pathogenic or benign to our knowledge